The following is an entry in ClinVar:

NM_022436.3(ABCG5):c.398T>G (p.Leu133Arg)

Gene: ABCG5 (ATP binding cassette subfamily G member 5; minus strand). Cytogenetic location: 2p21.
Variant type: single nucleotide variant.
Coding change: c.398T>G on transcript NM_022436.3 (MANE Select); coding-DNA position 398, T replaced by G.
Protein change: p.Leu133Arg; replaces leucine 133 with arginine.
Molecular consequence: missense variant.
Genome position (GRCh38, 1-based): chr2:43,831,951, A>C on the plus strand (T>G on the coding strand, the complement: ABCG5 is on the minus strand). VCF-style: chr2-43831951-A-C. GRCh37 (hg19) VCF-style: chr2-44059090-A-C.
Other names: short protein forms L133R.
Identifiers: ClinVar variation 1736769 (VCV001736769.2), dbSNP rs1438547929, ClinGen allele CA346667853.

ClinVar aggregate classification (germline): Uncertain significance (1 of 4 stars; one submission).

Conditions:
Cardiovascular phenotype. Identifiers: MedGen CN230736.

Allele frequency attached by ClinVar (database versions not stated): gnomAD 0.00001; TOPMed 0.00001.
gnomAD v4.1: 2 of 1,549,708 alleles (0.00013%); highest among the groups gnomAD compares: Non-Finnish European, 0.00017%; no homozygotes.

Submission:

Ambry Genetics
Classification: Uncertain significance for Cardiovascular phenotype. Last evaluated: 2022-08-27. Review status: criteria provided, single submitter. Criteria: Ambry Variant Classification Scheme 2023. Collection method: clinical testing. Allele origin: germline.
Comment: The p.L133R variant (also known as c.398T>G), located in coding exon 3 of the ABCG5 gene, results from a T to G substitution at nucleotide position 398. The leucine at codon 133 is replaced by arginine, an amino acid with dissimilar properties. This amino acid position is conserved. In addition, the in silico prediction for this alteration is inconclusive. Since supporting evidence is limited at this time, the clinical significance of this alteration remains unclear.